The following is an entry in ClinVar:

ClinVar aggregate classification (germline): Likely pathogenic. Review status: criteria provided, multiple submitters, no conflicts (2 of 4 stars). 3 submissions from 3 submitters: Likely pathogenic (3). Last evaluated 2026-06-16.

Conditions:
Cardiovascular phenotype. Identifiers: MedGen CN230736.
Autosomal recessive limb-girdle muscular dystrophy type 2J (LGMDR10). Also called: Limb-girdle muscular dystrophy, type 2J; MUSCULAR DYSTROPHY, LIMB-GIRDLE, AUTOSOMAL RECESSIVE 10. Identifiers: Orphanet 140922, MedGen C1837342, MONDO:0012127, OMIM 608807.
Dilated cardiomyopathy 1G (CMD1G). Identifiers: Orphanet 154, MedGen C1858763, MONDO:0011400, OMIM 604145.

Submissions (3):

Ambry Genetics
Classification: Likely pathogenic for Cardiovascular phenotype. Last evaluated: 2026-06-16. Review status: criteria provided, single submitter. Criteria: Ambry Variant Classification Scheme 2023. Collection method: clinical testing. Allele origin: germline.
Comment: The c.30659delC variant, located in coding exon 123 of the TTN gene, results from a deletion of one nucleotide at nucleotide position 30659, causing a translational frameshift with a predicted alternate stop codon (p.P10220Qfs*17). This exon is located in the A-band region of the N2-B isoform of the titin protein and is constitutively expressed in TTN transcripts (percent spliced in or PSI 100%). This variant was reported in individual(s) with features consistent with dilated cardiomyopathy (Ambry internal data). This variant is considered to be rare based on population cohorts in the Genome Aggregation Database (gnomAD). This variant is expected to result in loss of function by premature protein truncation or nonsense-mediated mRNA decay. While truncating variants in TTN are present in 1-3% of the general population, truncating variants in the A-band are the most common cause of dilated cardiomyopathy (Herman DS et al. N. Engl. J. Med., 2012 Feb;366:619-28; Roberts AM et al. Sci Transl Med, 2015 Jan;7:270ra6). TTN truncating variants encoded in constitutive exons (PSI >90%) have been found to be significantly associated with DCM regardless of their position in titin (Schafer S et al. Nat. Genet., 2017 01;49:46-53; Akhtar MM et al. Circ Heart Fail, 2020 Oct;13:e006832; Massier M et al. Clin Genet, 2025 Jan). Based on the majority of available evidence to date, this variant is likely to be pathogenic.

GeneDx
Classification: Likely pathogenic. Last evaluated: 2025-05-07. Review status: criteria provided, single submitter. Criteria: GeneDx Variant Classification Process June 2021. Collection method: clinical testing. Allele origin: germline.
Comment: Frameshift variant predicted to result in protein truncation or nonsense mediated decay in a gene for which loss of function is a known mechanism of disease; Not observed at significant frequency in large population cohorts (gnomAD); Has not been previously published as pathogenic or benign to our knowledge; This variant is associated with the following publications: (PMID: 22335739, 32778822)

Labcorp Genetics (formerly Invitae), Labcorp
Classification: Likely pathogenic for Dilated cardiomyopathy 1G; Autosomal recessive limb-girdle muscular dystrophy type 2J. Last evaluated: 2022-05-17. Review status: criteria provided, single submitter. Criteria: Invitae Variant Classification Sherloc (09022015). Collection method: clinical testing. Allele origin: germline.
Comment: In summary, the currently available evidence indicates that the variant is pathogenic, but additional data are needed to prove that conclusively. Therefore, this variant has been classified as Likely Pathogenic. This variant is located in the A band of TTN (PMID: 25589632). Truncating variants in this region are significantly overrepresented in patients affected with dilated cardiomyopathy (PMID: 25589632). Truncating variants in this region have also been reported in individuals affected with autosomal recessive centronuclear myopathy (PMID: 23975875). This variant has not been reported in the literature in individuals affected with TTN-related conditions. This variant is not present in population databases (gnomAD no frequency). This sequence change creates a premature translational stop signal (p.Pro19285Glnfs*17) in the TTN gene. While this is not anticipated to result in nonsense mediated decay, it is expected to create a truncated TTN protein.

Literature cited by the submitters: PubMed 25589632 (cited by Labcorp Genetics (formerly Invitae), Labcorp); PubMed 23975875 (cited by Labcorp Genetics (formerly Invitae), Labcorp).

NM_001267550.2(TTN):c.57854del (p.Pro19285fs)

Genes: TTN (titin; minus strand), TTN-AS1 (TTN antisense RNA 1; plus strand). Cytogenetic location: 2q31.2.
Variant type: Deletion.
Coding change: c.57854del on transcript NM_001267550.2 (MANE Select); coding-DNA position 57854, one base deleted (C; older notation c.57854delC).
Protein change: p.Pro19285fs; shifts the reading frame from proline 19285.
Molecular consequence: frameshift variant.
Genome position (GRCh38, 1-based): chr2:178,594,640, G deleted on the plus strand (C on the coding strand, the reverse complement: TTN is on the minus strand); the first of 2 consecutive G bases (chr2:178,594,640-178,594,641); deleting either gives the same sequence. VCF-style (leftmost placement, unchanged base first): chr2-178594639-TG-T. GRCh37 (hg19) VCF-style: chr2-179459366-TG-T.
Other names: c.30659delC (NM_003319.4); c.52931del, p.Pro17644fs (NM_001256850.1); c.57853delC, p.Pro19285Glnfs (NM_001267550.1); c.30659del, p.Pro10220fs (NM_003319.4); c.50150del, p.Pro16717fs (NM_133378.4); c.31034del, p.Pro10345fs (NM_133432.3); c.31235del, p.Pro10412fs (NM_133437.4); short protein forms P10220fs, P10345fs, P10412fs, P16717fs, P17644fs, P19285fs.
Identifiers: ClinVar variation 1804420 (VCV001804420.8), dbSNP rs2469640500, ClinGen allele CA2577170916.